The following is an entry in ClinVar:

NM_002470.4(MYH3):c.4726_4729del (p.Lys1576fs)

Gene: MYH3 (myosin heavy chain 3; minus strand). Cytogenetic location: 17p13.1.
Variant type: Deletion.
Coding change: c.4726_4729del on transcript NM_002470.4 (MANE Select); coding-DNA positions 4726 to 4729, 4 bases deleted (AAGA; older notation c.4726_4729delAAGA).
Protein change: p.Lys1576fs; shifts the reading frame from lysine 1576.
Molecular consequence: frameshift variant.
Genome position (GRCh38, 1-based): chr17:10,632,703-10,632,706, TCTT deleted on the plus strand (AAGA on the coding strand, the reverse complement: MYH3 is on the minus strand); deleting any 4 consecutive bases within chr17:10,632,703-10,632,709 gives the same sequence; the c. name uses the placement nearest the transcript's 3' end. VCF-style (leftmost placement, unchanged base first): chr17-10632702-ATCTT-A. GRCh37 (hg19) VCF-style: chr17-10536019-ATCTT-A.
Other names: short protein forms K1576fs.
Identifiers: ClinVar variation 2574832 (VCV002574832.4), dbSNP rs765511273, ClinGen allele CA8392140.

ClinVar aggregate classification (germline): Pathogenic/Likely pathogenic. Review status: criteria provided, multiple submitters, no conflicts (2 of 4 stars). 2 submissions from 2 submitters: Pathogenic (1); Likely pathogenic (1). Last evaluated 2023-07-07.

Submissions (2):

Labcorp Genetics (formerly Invitae), Labcorp
Classification: Pathogenic. Last evaluated: 2023-07-07. Review status: criteria provided, single submitter. Criteria: Invitae Variant Classification Sherloc (09022015). Collection method: clinical testing. Allele origin: germline.
Comment: For these reasons, this variant has been classified as Pathogenic. This variant has not been reported in the literature in individuals affected with MYH3-related conditions. This variant is present in population databases (rs765511273, gnomAD 0.003%). This sequence change creates a premature translational stop signal (p.Lys1576Serfs*11) in the MYH3 gene. It is expected to result in an absent or disrupted protein product. Loss-of-function variants in MYH3 are known to be pathogenic (PMID: 29805041, 30008475).

GeneDx
Classification: Likely pathogenic. Last evaluated: 2023-02-02. Review status: criteria provided, single submitter. Criteria: GeneDx Variant Classification Process June 2021. Collection method: clinical testing. Allele origin: germline. Affected: yes.
Comment: Frameshift variant predicted to result in protein truncation or nonsense mediated decay in a gene for which loss of function is a known mechanism of disease; Not observed at significant frequency in large population cohorts (gnomAD); Has not been previously published as pathogenic or benign to our knowledge

Literature cited by the submitters: PubMed 29805041 (cited by Labcorp Genetics (formerly Invitae), Labcorp); PubMed 30008475 (cited by Labcorp Genetics (formerly Invitae), Labcorp).